The following is an entry in ClinVar:

NM_004370.6(COL12A1):c.1339G>T (p.Gly447Cys)

Gene: COL12A1 (collagen type XII alpha 1 chain; minus strand). Cytogenetic location: 6q13.
Variant type: single nucleotide variant.
Coding change: c.1339G>T on transcript NM_004370.6 (MANE Select); coding-DNA position 1339, G replaced by T.
Protein change: p.Gly447Cys; replaces glycine 447 with cysteine.
Molecular consequence: missense variant. On other transcripts: intron variant (2).
Genome position (GRCh38, 1-based): chr6:75,183,602, C>A on the plus strand (G>T on the coding strand, the complement: COL12A1 is on the minus strand). VCF-style: chr6-75183602-C-A. GRCh37 (hg19) VCF-style: chr6-75893318-C-A.
Other names: c.1339G>T, p.Gly447Cys (NM_001424113.1, NM_001424114.1, NM_001424115.1); c.73+19118G>T (NM_001424116.1, NM_080645.3); short protein forms G447C.
Identifiers: ClinVar variation 3763660 (VCV003763660.2).

ClinVar aggregate classification (germline): Uncertain significance (1 of 4 stars; one submission).

Conditions:
Ullrich congenital muscular dystrophy 2 (UCMD2). Identifiers: Orphanet 75840, MedGen C4225314, MONDO:0014654, OMIM 616470.
Bethlem myopathy 2 (BTHLM2). Identifiers: Orphanet 536516, Orphanet 610, MedGen C4225313, MONDO:0034022, OMIM 616471.

Submission:

Labcorp Genetics (formerly Invitae), Labcorp
Classification: Uncertain significance for Bethlem myopathy 2; Ullrich congenital muscular dystrophy 2. Last evaluated: 2024-03-24. Review status: criteria provided, single submitter. Criteria: Invitae Variant Classification Sherloc (09022015). Collection method: clinical testing. Allele origin: germline.
Comment: This sequence change replaces glycine, which is neutral and non-polar, with cysteine, which is neutral and slightly polar, at codon 447 of the COL12A1 protein (p.Gly447Cys). This variant is not present in population databases (gnomAD no frequency). This variant has not been reported in the literature in individuals affected with COL12A1-related conditions. Advanced modeling of protein sequence and biophysical properties (such as structural, functional, and spatial information, amino acid conservation, physicochemical variation, residue mobility, and thermodynamic stability) performed at Invitae indicates that this missense variant is expected to disrupt COL12A1 protein function with a positive predictive value of 80%. In summary, the available evidence is currently insufficient to determine the role of this variant in disease. Therefore, it has been classified as a Variant of Uncertain Significance.